The following is an entry in ClinVar:

ClinVar aggregate classification (germline): Uncertain significance. Review status: criteria provided, multiple submitters, no conflicts (2 of 4 stars). 2 submissions from 2 submitters: Uncertain significance (2). Last evaluated 2023-12-17.

Conditions:
Inborn genetic diseases. Identifiers: MedGen C0950123, MeSH D030342.

Allele frequency attached by ClinVar (database versions not stated): gnomAD 0.00001; TOPMed 0.00001.
gnomAD v4.1: 1 of 1,614,080 alleles (0.000062%); highest among the groups gnomAD compares: Admixed American, 0.0017%; no homozygotes.

Submissions (2):

Ambry Genetics
Classification: Uncertain significance for Inborn genetic diseases. Last evaluated: 2023-12-17. Review status: criteria provided, single submitter. Criteria: Ambry Variant Classification Scheme 2023. Collection method: clinical testing. Allele origin: germline.

Labcorp Genetics (formerly Invitae), Labcorp
Classification: Uncertain significance. Last evaluated: 2022-12-07. Review status: criteria provided, single submitter. Criteria: Invitae Variant Classification Sherloc (09022015). Collection method: clinical testing. Allele origin: germline.
Comment: In summary, the available evidence is currently insufficient to determine the role of this variant in disease. Therefore, it has been classified as a Variant of Uncertain Significance. Advanced modeling of protein sequence and biophysical properties (such as structural, functional, and spatial information, amino acid conservation, physicochemical variation, residue mobility, and thermodynamic stability) has been performed at Invitae for this missense variant, however the output from this modeling did not meet the statistical confidence thresholds required to predict the impact of this variant on JAK1 protein function. This variant has not been reported in the literature in individuals affected with JAK1-related conditions. This variant is not present in population databases (gnomAD no frequency). This sequence change replaces serine, which is neutral and polar, with asparagine, which is neutral and polar, at codon 700 of the JAK1 protein (p.Ser700Asn).

NM_002227.4(JAK1):c.2099G>A (p.Ser700Asn)

Gene: JAK1 (Janus kinase 1; minus strand). Cytogenetic location: 1p31.3.
Variant type: single nucleotide variant.
Coding change: c.2099G>A on transcript NM_002227.4 (MANE Select); coding-DNA position 2099, G replaced by A.
Protein change: p.Ser700Asn; replaces serine 700 with asparagine.
Molecular consequence: missense variant.
Genome position (GRCh38, 1-based): chr1:64,845,529, C>T on the plus strand (G>A on the coding strand, the complement: JAK1 is on the minus strand). VCF-style: chr1-64845529-C-T. GRCh37 (hg19) VCF-style: chr1-65311212-C-T.
Other names: c.2099G>A, p.Ser700Asn (NM_001320923.2, NM_001321852.2, NM_001321853.2 and 3 more transcripts); c.2096G>A, p.Ser699Asn (NM_001321857.2); c.2099G>A (NM_002227.2); short protein forms S700N, S699N.
Identifiers: ClinVar variation 3005138 (VCV003005138.4), dbSNP rs1655173777, ClinGen allele CA340667365.